The following is an entry in ClinVar:

NM_000059.4(BRCA2):c.1753A>T (p.Lys585Ter)

Gene: BRCA2 (BRCA2 DNA repair associated; plus strand). Cytogenetic location: 13q13.1.
Variant type: single nucleotide variant.
Coding change: c.1753A>T on transcript NM_000059.4 (MANE Select); coding-DNA position 1753, A replaced by T.
Protein change: p.Lys585Ter; replaces lysine 585 with a stop codon.
Molecular consequence: nonsense.
Genome position (GRCh38, 1-based): chr13:32,333,231, A>T. VCF-style: chr13-32333231-A-T. GRCh37 (hg19) VCF-style: chr13-32907368-A-T.
Other names: short protein forms K585*.
Identifiers: ClinVar variation 487414 (VCV000487414.7), dbSNP rs1555282048, ClinGen allele CA387765514.

ClinVar aggregate classification (germline): Pathogenic. Review status: criteria provided, single submitter (1 of 4 stars). 2 submissions from 2 submitters: Pathogenic (1). 1 of the submissions does not count toward it. Last evaluated 2019-04-10.

Conditions:
Hereditary cancer-predisposing syndrome. Also called: Tumor predisposition; Neoplastic Syndromes, Hereditary; Hereditary Cancer Syndrome; Hereditary neoplastic syndrome. Identifiers: Orphanet 140162, MedGen C0027672, MeSH D009386, MONDO:0015356.
Breast-ovarian cancer, familial, susceptibility to, 2 (BROVCA2). Also called: BRCA2 Hereditary Breast and Ovarian Cancer. Identifiers: Orphanet 145, MedGen C2675520, MONDO:0012933, OMIM 612555. Disease mechanism: loss of function.

Submissions (2):

Ambry Genetics
Classification: Pathogenic for Hereditary cancer-predisposing syndrome. Last evaluated: 2019-04-10. Review status: criteria provided, single submitter. Criteria: Ambry Variant Classification Scheme 2023. Collection method: clinical testing. Allele origin: germline.
Comment: The p.K585* pathogenic mutation (also known as c.1753A>T), located in coding exon 9 of the BRCA2 gene, results from an A to T substitution at nucleotide position 1753. This changes the amino acid from a lysine to a stop codon within coding exon 9. This alteration is expected to result in loss of function by premature protein truncation or nonsense-mediated mRNA decay. As such, this alteration is interpreted as a disease-causing mutation.

Counsyl
Classification: Likely pathogenic for Breast-ovarian cancer, familial, susceptibility to, 2. Last evaluated: 2016-12-21. Review status: no assertion criteria provided. Collection method: clinical testing. Allele origin: unknown. Not counted in ClinVar's aggregate classification.